The following is an entry in ClinVar:

NM_002878.4(RAD51D):c.145-6T>C

Genes: RAD51L3-RFFL (RAD51L3-RFFL readthrough; minus strand), RAD51D (RAD51 paralog D; minus strand). Cytogenetic location: 17q12.
Variant type: single nucleotide variant.
Coding change: c.145-6T>C on transcript NM_002878.4 (MANE Select); 6 bases into the intron before coding-DNA position 145, T replaced by C.
Molecular consequence: intron variant.
Genome position (GRCh38, 1-based): chr17:35,118,625, A>G on the plus strand (T>C on the coding strand, the complement: RAD51D is on the minus strand). VCF-style: chr17-35118625-A-G. GRCh37 (hg19) VCF-style: chr17-33445644-A-G.
Other names: c.144+486T>C (NM_133629.3, NM_001142571.2).
Identifiers: ClinVar variation 3903821 (VCV003903821.1).
Genomic context (GRCh38, chr17:35,118,625, plus strand): 5'-TCACGGGGAAAGCCGAGAACTGAGCCAGCAGCACCCGCCTCAGGGCAACCAGGGCCTGCC[A>G]AAGGGCCCCAGACTGCTCAGCAACAAATTGCCCGTAGAAGCTGGCATCCCAGGGTGTCAT-3'

ClinVar aggregate classification (germline): Likely benign (1 of 4 stars; one submission).

Conditions:
Breast-ovarian cancer, familial, susceptibility to, 4. Identifiers: Orphanet 145, MedGen C3280345, MONDO:0013669, OMIM 614291.

Submission:

Myriad Genetics, Inc.
Classification: Likely benign for Breast-ovarian cancer, familial, susceptibility to, 4. Last evaluated: 2025-02-20. Review status: criteria provided, single submitter. Criteria: Myriad Autosomal Dominant, Autosomal Recessive and X-Linked Classification Criteria (2023). Collection method: clinical testing. Allele origin: unknown.
Comment: This variant is considered likely benign. This variant is intronic and is not expected to impact mRNA splicing.